The following is an entry in ClinVar:

NM_022369.4(STRA6):c.1301-12C>T

Gene: STRA6 (signaling receptor and transporter of retinol STRA6; minus strand). Cytogenetic location: 15q24.1.
Variant type: single nucleotide variant.
Coding change: c.1301-12C>T on transcript NM_022369.4 (MANE Select); 12 bases into the intron before coding-DNA position 1301, C replaced by T.
Molecular consequence: intron variant.
Genome position (GRCh38, 1-based): chr15:74,182,472, G>A on the plus strand (C>T on the coding strand, the complement: STRA6 is on the minus strand). VCF-style: chr15-74182472-G-A. GRCh37 (hg19) VCF-style: chr15-74474813-G-A.
Other names: c.1412-12C>T (NM_001199040.2); c.1274-12C>T (NM_001142619.2); c.1301-12C>T (NM_001142617.2, NM_001142618.2); c.1346-12C>T (NM_001199041.2); c.1418-12C>T (NM_001199042.2).
Identifiers: ClinVar variation 885820 (VCV000885820.10), dbSNP rs79510426, ClinGen allele CA7654606.
Genomic context (GRCh38, chr15:74,182,472, plus strand): 5'-GCCAGGGCCGTGGTTCCCAGGAAGAAGATGATCTGCTGCACCAGGAGCCCTGCCAGGGGC[G>A]GGAGTGGCAGGGGGACAGAAAACAGGTTCCATGAAAACTGGCCATCCCCGCTGCCCCCAG-3'

ClinVar aggregate classification (germline): Benign/Likely benign. Review status: criteria provided, multiple submitters, no conflicts (2 of 4 stars). 4 submissions from 4 submitters: Benign (1); Likely benign (3). Last evaluated 2025-12-08.

Conditions:
Microphthalmia, syndromic 9. Also called: Matthew-Wood syndrome; ANOPHTHALMIA, CLINICAL, WITH MILD FACIAL DYSMORPHISM AND VARIABLE MALFORMATIONS OF THE LUNG, HEART, AND DIAPHRAGM; ANOPHTHALMIA/MICROPHTHALMIA AND PULMONARY HYPOPLASIA; PULMONARY AGENESIS, MICROPHTHALMIA, AND DIAPHRAGMATIC DEFECT; SPEAR SYNDROME. Identifiers: Orphanet 2470, MedGen C1832661, MONDO:0011010, OMIM 601186.

Allele frequency attached by ClinVar (database versions not stated): gnomAD exomes 0.00045 and 0.00089; ExAC 0.00127; ESP Exome Variant Server 0.00170; gnomAD 0.00198 and 0.00205; TOPMed 0.00219; 1000 Genomes Project 0.00260; 1000 Genomes Project 30x 0.00297.
gnomAD v4.1: 997 of 1,597,722 alleles (0.062%); highest among the groups gnomAD compares: African/African-American, 0.58%; 2 homozygotes.

Submissions (4):

Labcorp Genetics (formerly Invitae), Labcorp
Classification: Benign for Microphthalmia, syndromic 9. Last evaluated: 2025-12-08. Review status: criteria provided, single submitter. Criteria: Invitae Variant Classification Sherloc (09022015). Collection method: clinical testing. Allele origin: germline.

Blueprint Genetics
Classification: Likely benign. Last evaluated: 2024-11-14. Review status: criteria provided, single submitter. Criteria: ACMG Guidelines, 2015. Collection method: clinical testing. Allele origin: germline.

Illumina Laboratory Services, Illumina
Classification: Likely benign for Microphthalmia, syndromic 9. Last evaluated: 2018-01-13. Review status: criteria provided, single submitter. Criteria: ICSL Variant Classification Criteria 13 December 2019. Collection method: clinical testing. Allele origin: germline.
Comment: This variant was observed in the ICSL laboratory as part of a predisposition screen in an ostensibly healthy population. It had not been previously curated by ICSL or reported in the Human Gene Mutation Database (HGMD: prior to June 1st, 2018), and was therefore a candidate for classification through an automated scoring system. Utilizing variant allele frequency, disease prevalence and penetrance estimates, and inheritance mode, an automated score was calculated to assess if this variant is too frequent to cause the disease. Based on the score and internal cut-off values, a variant classified as likely benign is not then subjected to further curation. The score for this variant resulted in a classification of likely benign for this disease.

Breakthrough Genomics
Classification: Likely benign. Review status: criteria provided, single submitter. Criteria: ACMG Guidelines, 2015. Collection method: not provided. Allele origin: germline. Inheritance: Autosomal recessive inheritance. Affected: yes.